The following is an entry in ClinVar:

NM_015450.3(POT1):c.1393A>G (p.Lys465Glu)

Gene: POT1 (protection of telomeres 1; minus strand). Cytogenetic location: 7q31.33.
Variant type: single nucleotide variant.
Coding change: c.1393A>G on transcript NM_015450.3 (MANE Select); coding-DNA position 1393, A replaced by G.
Protein change: p.Lys465Glu; replaces lysine 465 with glutamic acid.
Molecular consequence: missense variant. On other transcripts: non-coding transcript variant (3).
Genome position (GRCh38, 1-based): chr7:124,835,391, T>C on the plus strand (A>G on the coding strand, the complement: POT1 is on the minus strand). VCF-style: chr7-124835391-T-C. GRCh37 (hg19) VCF-style: chr7-124475445-T-C.
Other names: c.1000A>G, p.Lys334Glu (NM_001042594.2); short protein forms K334E, K465E.
Identifiers: ClinVar variation 819074 (VCV000819074.7), dbSNP rs1246723310, ClinGen allele CA369065953.

ClinVar aggregate classification (germline): Uncertain significance. Review status: criteria provided, multiple submitters, no conflicts (2 of 4 stars). 2 submissions from 2 submitters: Uncertain significance (2). Last evaluated 2025-09-10.

Conditions:
Tumor predisposition syndrome 3 (TPDS3). Also called: Glioma susceptibility 9; LONG TELOMERE SYNDROME, POT1-RELATED; POT1 Tumor Predisposition; Melanoma, cutaneous malignant, susceptibility to, 10. Identifiers: Orphanet 618, MedGen C4014476, MONDO:0014368, OMIM 615848.
Hereditary cancer-predisposing syndrome. Also called: Tumor predisposition; Hereditary Cancer Syndrome; Hereditary neoplastic syndrome; Neoplastic Syndromes, Hereditary. Identifiers: Orphanet 140162, MedGen C0027672, MeSH D009386, MONDO:0015356.

Allele frequency attached by ClinVar (database versions not stated): gnomAD exomes below 0.00001; TOPMed below 0.00001.
gnomAD v4.1: 2 of 1,613,288 alleles (0.00012%); highest among the groups gnomAD compares: Non-Finnish European, 0.00017%; no homozygotes.

Submissions (2):

Labcorp Genetics (formerly Invitae), Labcorp
Classification: Uncertain significance for Tumor predisposition syndrome 3. Last evaluated: 2025-09-10. Review status: criteria provided, single submitter. Criteria: Invitae Variant Classification Sherloc (09022015). Collection method: clinical testing. Allele origin: germline.
Comment: This sequence change replaces lysine, which is basic and polar, with glutamic acid, which is acidic and polar, at codon 465 of the POT1 protein (p.Lys465Glu). This variant is present in population databases (no rsID available, gnomAD 0.0009%). This variant has not been reported in the literature in individuals affected with POT1-related conditions. ClinVar contains an entry for this variant (Variation ID: 819074). Invitae Evidence Modeling of protein sequence and biophysical properties (such as structural, functional, and spatial information, amino acid conservation, physicochemical variation, residue mobility, and thermodynamic stability) indicates that this missense variant is not expected to disrupt POT1 protein function with a negative predictive value of 80%. In summary, the available evidence is currently insufficient to determine the role of this variant in disease. Therefore, it has been classified as a Variant of Uncertain Significance.

Ambry Genetics
Classification: Uncertain significance for Hereditary cancer-predisposing syndrome. Last evaluated: 2025-07-25. Review status: criteria provided, single submitter. Criteria: Ambry Variant Classification Scheme 2023. Collection method: clinical testing. Allele origin: germline.
Comment: The p.K465E variant (also known as c.1393A>G), located in coding exon 11 of the POT1 gene, results from an A to G substitution at nucleotide position 1393. The lysine at codon 465 is replaced by glutamic acid, an amino acid with similar properties. This amino acid position is well conserved in available vertebrate species. In addition, this alteration is predicted to be tolerated by in silico analysis. Since supporting evidence is limited at this time, the clinical significance of this alteration remains unclear.